The following is an entry in ClinVar:

ClinVar aggregate classification (germline): Likely benign (1 of 4 stars; one submission).

Submission:

CeGaT Center for Human Genetics Tuebingen
Classification: Likely benign. Last evaluated: 2026-04-01. Review status: criteria provided, single submitter. Criteria: CeGaT Center For Human Genetics Tuebingen Variant Classification Criteria Version 2. Collection method: clinical testing. Allele origin: germline. Affected: yes. Observed: 2 variant alleles.
Comment: COASY: PM2:Supporting, BP4, BP7

NM_025233.7(COASY):c.1200C>T (p.Gly400=)

Gene: COASY (Coenzyme A synthase; plus strand). Cytogenetic location: 17q21.2.
Variant type: single nucleotide variant.
Coding change: c.1200C>T on transcript NM_025233.7 (MANE Select); coding-DNA position 1200, C replaced by T.
Protein change: p.Gly400=; no amino-acid change (glycine 400 retained).
Molecular consequence: synonymous variant.
Genome position (GRCh38, 1-based): chr17:42,564,861, C>T. VCF-style: chr17-42564861-C-T. GRCh37 (hg19) VCF-style: chr17-40716879-C-T.
Other names: c.1200C>T, p.Gly400= (NM_001042529.3); c.1287C>T, p.Gly429= (NM_001042532.4).
Identifiers: ClinVar variation 3770784 (VCV003770784.13).